The following is an entry in ClinVar:

ClinVar aggregate classification (germline): Uncertain significance (1 of 4 stars; one submission).

Allele frequency attached by ClinVar (database versions not stated): ESP Exome Variant Server 0.00038; gnomAD 0.00043 and 0.00046; 1000 Genomes Project 30x 0.00062; 1000 Genomes Project 0.00080.
gnomAD v4.1: 130 of 1,614,242 alleles (0.0081%); highest among the groups gnomAD compares: African/African-American, 0.14%; no homozygotes.

Submission:

Labcorp Genetics (formerly Invitae), Labcorp
Classification: Uncertain significance. Last evaluated: 2022-08-16. Review status: criteria provided, single submitter. Criteria: Invitae Variant Classification Sherloc (09022015). Collection method: clinical testing. Allele origin: germline.
Comment: In summary, the available evidence is currently insufficient to determine the role of this variant in disease. Therefore, it has been classified as a Variant of Uncertain Significance. This sequence change replaces tyrosine, which is neutral and polar, with phenylalanine, which is neutral and non-polar, at codon 539 of the RNF216 protein (p.Tyr539Phe). This variant is present in population databases (rs148642312, gnomAD 0.1%). This variant has not been reported in the literature in individuals affected with RNF216-related conditions. ClinVar contains an entry for this variant (Variation ID: 1409677). Algorithms developed to predict the effect of missense changes on protein structure and function are either unavailable or do not agree on the potential impact of this missense change (SIFT: "Tolerated"; PolyPhen-2: "Possibly Damaging"; Align-GVGD: "Class C0").

NM_207111.4(RNF216):c.1616A>T (p.Tyr539Phe)

Gene: RNF216 (ring finger protein 216; minus strand). Cytogenetic location: 7p22.1.
Variant type: single nucleotide variant.
Coding change: c.1616A>T on transcript NM_207111.4 (MANE Select); coding-DNA position 1616, A replaced by T.
Protein change: p.Tyr539Phe; replaces tyrosine 539 with phenylalanine.
Molecular consequence: missense variant.
Genome position (GRCh38, 1-based): chr7:5,721,061, T>A on the plus strand (A>T on the coding strand, the complement: RNF216 is on the minus strand). VCF-style: chr7-5721061-T-A. GRCh37 (hg19) VCF-style: chr7-5760692-T-A.
Other names: c.1445A>T, p.Tyr482Phe (NM_001377156.1, NM_207116.3); short protein forms Y482F, Y539F.
Identifiers: ClinVar variation 1409677 (VCV001409677.5), dbSNP rs148642312, ClinGen allele CA4148132.